The following is an entry in ClinVar:

ClinVar aggregate classification (germline): Uncertain significance. Review status: criteria provided, multiple submitters, no conflicts (2 of 4 stars). 2 submissions from 2 submitters: Uncertain significance (2). Last evaluated 2024-12-07.

Allele frequency attached by ClinVar (database versions not stated): gnomAD exomes 0.00001; ExAC 0.00002; gnomAD 0.00002; TOPMed 0.00002.
gnomAD v4.1: 19 of 1,613,976 alleles (0.0012%); highest among the groups gnomAD compares: South Asian, 0.0033%; no homozygotes.

Submissions (2):

Ambry Genetics
Classification: Uncertain significance. Last evaluated: 2024-12-07. Review status: criteria provided, single submitter. Criteria: Ambry Variant Classification Scheme 2023. Collection method: clinical testing. Allele origin: germline.

Labcorp Genetics (formerly Invitae), Labcorp
Classification: Uncertain significance. Last evaluated: 2021-08-19. Review status: criteria provided, single submitter. Criteria: Invitae Variant Classification Sherloc (09022015). Collection method: clinical testing. Allele origin: germline.
Comment: This sequence change replaces methionine with valine at codon 280 of the SCP2 protein (p.Met280Val). The methionine residue is highly conserved and there is a small physicochemical difference between methionine and valine. This variant is present in population databases (rs751880143, ExAC 0.006%). This variant has not been reported in the literature in individuals affected with SCP2-related conditions. Algorithms developed to predict the effect of missense changes on protein structure and function are either unavailable or do not agree on the potential impact of this missense change (SIFT: "Deleterious"; PolyPhen-2: "Benign"; Align-GVGD: "Class C15"). Algorithms developed to predict the effect of sequence changes on RNA splicing suggest that this variant may create or strengthen a splice site. In summary, the available evidence is currently insufficient to determine the role of this variant in disease. Therefore, it has been classified as a Variant of Uncertain Significance.

NM_002979.5(SCP2):c.838A>G (p.Met280Val)

Gene: SCP2 (sterol carrier protein 2; plus strand). Cytogenetic location: 1p32.3.
Variant type: single nucleotide variant.
Coding change: c.838A>G on transcript NM_002979.5 (MANE Select); coding-DNA position 838, A replaced by G.
Protein change: p.Met280Val; replaces methionine 280 with valine.
Molecular consequence: missense variant.
Genome position (GRCh38, 1-based): chr1:52,980,408, A>G. VCF-style: chr1-52980408-A-G. GRCh37 (hg19) VCF-style: chr1-53446080-A-G.
Other names: c.706A>G, p.Met236Val (NM_001007098.3, NM_001193600.2); c.766A>G, p.Met256Val (NM_001193599.2); c.595A>G, p.Met199Val (NM_001193617.2); c.838A>G, p.Met280Val (NM_001330587.2); c.838A>G (NM_002979.4); short protein forms M199V, M256V, M236V, M280V.
Identifiers: ClinVar variation 1362520 (VCV001362520.4), dbSNP rs751880143, ClinGen allele CA857241.